The following is an entry in ClinVar:

NM_017777.4(MKS1):c.331A>C (p.Ile111Leu)

Gene: MKS1 (MKS transition zone complex subunit 1; minus strand). Cytogenetic location: 17q22.
Variant type: single nucleotide variant.
Coding change: c.331A>C on transcript NM_017777.4 (MANE Select); coding-DNA position 331, A replaced by C.
Protein change: p.Ile111Leu; replaces isoleucine 111 with leucine.
Molecular consequence: missense variant. On other transcripts: 5 prime UTR variant (1).
Genome position (GRCh38, 1-based): chr17:58,216,174, T>G on the plus strand (A>C on the coding strand, the complement: MKS1 is on the minus strand). VCF-style: chr17-58216174-T-G. GRCh37 (hg19) VCF-style: chr17-56293535-T-G.
Other names: c.-181A>C (NM_001321268.2); c.331A>C, p.Ile111Leu (NM_001321269.2, NM_001330397.2); short protein forms I111L.
Identifiers: ClinVar variation 290976 (VCV000290976.13), dbSNP rs886044605, ClinGen allele CA10606967.

ClinVar aggregate classification (germline): Uncertain significance. Review status: criteria provided, multiple submitters, no conflicts (2 of 4 stars). 2 submissions from 2 submitters: Uncertain significance (2). Last evaluated 2022-02-10.

Conditions:
Meckel-Gruber syndrome. Also called: Dysencephalia splachnocystica; DYSENCEPHALIA SPLANCHNOCYSTICA; GRUBER SYNDROME. Identifiers: Orphanet 564, MedGen C0265215, MONDO:0018921.
Joubert syndrome. Also called: Familial aplasia of the vermis; CEREBELLOPARENCHYMAL DISORDER IV; JOUBERT-BOLTSHAUSER SYNDROME. Identifiers: Orphanet 475, MedGen C5979921, MONDO:0018772.

Allele frequency attached by ClinVar (database versions not stated): TOPMed below 0.00001; gnomAD 0.00001.
gnomAD v4.1: 2 of 1,613,948 alleles (0.00012%); highest among the groups gnomAD compares: Admixed American, 0.0033%; no homozygotes.

Submissions (2):

Labcorp Genetics (formerly Invitae), Labcorp
Classification: Uncertain significance for Joubert syndrome; Meckel-Gruber syndrome. Last evaluated: 2022-02-10. Review status: criteria provided, single submitter. Criteria: Invitae Variant Classification Sherloc (09022015). Collection method: clinical testing. Allele origin: germline.
Comment: This sequence change replaces isoleucine, which is neutral and non-polar, with leucine, which is neutral and non-polar, at codon 111 of the MKS1 protein (p.Ile111Leu). This variant is not present in population databases (gnomAD no frequency). This variant has not been reported in the literature in individuals affected with MKS1-related conditions. ClinVar contains an entry for this variant (Variation ID: 290976). Advanced modeling of protein sequence and biophysical properties (such as structural, functional, and spatial information, amino acid conservation, physicochemical variation, residue mobility, and thermodynamic stability) performed at Invitae indicates that this missense variant is not expected to disrupt MKS1 protein function. In summary, the available evidence is currently insufficient to determine the role of this variant in disease. Therefore, it has been classified as a Variant of Uncertain Significance.

Eurofins Ntd Llc (ga)
Classification: Uncertain significance. Last evaluated: 2016-08-25. Review status: criteria provided, single submitter. Criteria: EGL Classification Definitions 2015. Collection method: clinical testing. Allele origin: germline. Observed: 1 variant allele, 1 heterozygote.